The following is an entry in ClinVar:

NM_001164688.2(RD3):c.2T>C (p.Met1Thr)

Gene: RD3 (RD3 regulator of GUCY2D; minus strand). Cytogenetic location: 1q32.3.
Variant type: single nucleotide variant.
Coding change: c.2T>C on transcript NM_001164688.2 (MANE Select); coding-DNA position 2, T replaced by C.
Protein change: p.Met1Thr; changes the start codon (methionine 1).
Molecular consequence: missense variant, initiator codon variant.
Genome position (GRCh38, 1-based): chr1:211,481,414, A>G on the plus strand (T>C on the coding strand, the complement: RD3 is on the minus strand). VCF-style: chr1-211481414-A-G. GRCh37 (hg19) VCF-style: chr1-211654756-A-G.
Other names: c.2T>C, p.Met1Thr (NM_183059.3); short protein forms M1T.
Identifiers: ClinVar variation 1438092 (VCV001438092.4), dbSNP rs1046628693, ClinGen allele CA37186519.

ClinVar aggregate classification (germline): Uncertain significance (1 of 4 stars; one submission).

Conditions:
Leber congenital amaurosis 12 (LCA12). Identifiers: Orphanet 65, MedGen C1857743, MONDO:0012525, OMIM 610612.

Allele frequency attached by ClinVar (database versions not stated): gnomAD exomes below 0.00001; gnomAD 0.00001; TOPMed 0.00001.

Submission:

Labcorp Genetics (formerly Invitae), Labcorp
Classification: Uncertain significance for Leber congenital amaurosis 12. Last evaluated: 2021-10-09. Review status: criteria provided, single submitter. Criteria: Invitae Variant Classification Sherloc (09022015). Collection method: clinical testing. Allele origin: germline.
Comment: This sequence change affects the initiator methionine of the RD3 mRNA. The next in-frame methionine is located at codon 24. This variant is not present in population databases (ExAC no frequency). This variant has not been reported in the literature in individuals affected with RD3-related conditions. Experimental studies and prediction algorithms are not available or were not evaluated, and the functional significance of this variant is currently unknown. In summary, the available evidence is currently insufficient to determine the role of this variant in disease. Therefore, it has been classified as a Variant of Uncertain Significance.